The following is an entry in ClinVar:

ClinVar aggregate classification (germline): Uncertain significance. Review status: criteria provided, multiple submitters, no conflicts (2 of 4 stars). 7 submissions from 7 submitters: Uncertain significance (7). Last evaluated 2025-06-16.

Conditions:
Cardiovascular phenotype. Identifiers: MedGen CN230736.
Hypertrophic cardiomyopathy 12. Identifiers: MedGen C2677491, MONDO:0012804, OMIM 612124.
Dilated cardiomyopathy 1M (CMD1M). Identifiers: Orphanet 154, MedGen C1843808, MONDO:0011840, OMIM 607482.
Cardiomyopathy (CMYO). Also called: Cardiomyopathies. Identifiers: Orphanet 167848, MedGen C0878544, MONDO:0004994, HP:0001638. Inheritance: Various modes of inheritance.

Allele frequency attached by ClinVar (database versions not stated): gnomAD 0.00001 and 0.00002; TOPMed 0.00002.
gnomAD v4.1: 26 of 1,612,748 alleles (0.0016%); highest among the groups gnomAD compares: Non-Finnish European, 0.0022%; 1 homozygote.

Submissions (7):

Labcorp Genetics (formerly Invitae), Labcorp
Classification: Uncertain significance for Hypertrophic cardiomyopathy 12; Dilated cardiomyopathy 1M. Last evaluated: 2025-06-16. Review status: criteria provided, single submitter. Criteria: Invitae Variant Classification Sherloc (09022015). Collection method: clinical testing. Allele origin: germline.
Comment: This sequence change replaces alanine, which is neutral and non-polar, with aspartic acid, which is acidic and polar, at codon 51 of the CSRP3 protein (p.Ala51Asp). This variant is present in population databases (rs397516853, gnomAD 0.005%). This missense change has been observed in individual(s) with hypertrophic cardiomyopathy (PMID: 27532257). ClinVar contains an entry for this variant (Variation ID: 44689). An algorithm developed to predict the effect of missense changes on protein structure and function (PolyPhen-2) suggests that this variant is likely to be disruptive. In summary, the available evidence is currently insufficient to determine the role of this variant in disease. Therefore, it has been classified as a Variant of Uncertain Significance.

Blueprint Genetics
Classification: Uncertain significance. Last evaluated: 2024-07-22. Review status: criteria provided, single submitter. Criteria: ACMG Guidelines, 2015. Collection method: clinical testing. Allele origin: germline.

GeneDx
Classification: Uncertain significance. Last evaluated: 2023-09-14. Review status: criteria provided, single submitter. Criteria: GeneDx Variant Classification Process June 2021. Collection method: clinical testing. Allele origin: germline. Affected: yes.
Comment: Reported in a patient referred for cardiomyopathy genetic testing (Walsh et al., 2017); In silico analysis supports that this missense variant does not alter protein structure/function; This variant is associated with the following publications: (PMID: 27532257, 35241752)

Ambry Genetics
Classification: Uncertain significance for Cardiovascular phenotype. Last evaluated: 2023-08-04. Review status: criteria provided, single submitter. Criteria: Ambry General Variant Classification Scheme_2022. Collection method: clinical testing. Allele origin: germline.
Comment: The p.A51D variant (also known as c.152C>A), located in coding exon 2 of the CSRP3 gene, results from a C to A substitution at nucleotide position 152. The alanine at codon 51 is replaced by aspartic acid, an amino acid with dissimilar properties. This alteration has been reported in cardiomyopathy cohorts; however, clinical details were limited, and additional cardiac variants were detected in some cases (Alfares AA et al. Genet Med, 2015 Nov;17:880-8; Walsh R et al. Genet Med, 2017 Feb;19:192-203; van Lint FHM et al. Neth Heart J, 2019 Jun;27:304-309). This amino acid position is highly conserved in available vertebrate species. In addition, the in silico prediction for this alteration is inconclusive. Since supporting evidence is limited at this time, the clinical significance of this alteration remains unclear.

CHEO Genetics Diagnostic Laboratory, Children's Hospital of Eastern Ontario
Classification: Uncertain significance for Cardiomyopathy. Last evaluated: 2021-08-12. Review status: criteria provided, single submitter. Criteria: ACMG Guidelines, 2015. Collection method: clinical testing. Allele origin: germline.

Fulgent Genetics
Classification: Uncertain significance for Dilated cardiomyopathy 1M; Hypertrophic cardiomyopathy 12. Last evaluated: 2021-07-23. Review status: criteria provided, single submitter. Criteria: ACMG Guidelines, 2015. Collection method: clinical testing. Allele origin: unknown.

Laboratory for Molecular Medicine, Mass General Brigham Personalized Medicine
Classification: Uncertain significance. Last evaluated: 2013-01-12. Review status: criteria provided, single submitter. Criteria: LMM Criteria. Collection method: clinical testing. Allele origin: germline. Observed: 1 variant allele.
Comment: The Ala51Asp variant in CSRP3 has not been reported in the literature nor previo usly identified by our laboratory. This variant has also not been identified in large and broad European American and African American populations by the NHLBI Exome Sequencing Project, which increases the likelihood that the variant is pathogenic. However, we cannot exclude that it m ay be common in other populations. Computational analyses (biochemical amino ac id properties, conservation, AlignGVGD, PolyPhen2, and SIFT) do not provide stro ng support for or against an impact to the protein. Missense mutations in CSRP3 have been shown to cause HCM (Geier 2008) but additional information is needed t o fully assess the clinical significance of the Ala51Asp variant.

Literature cited by the submitters: PubMed 27532257 (cited by Labcorp Genetics (formerly Invitae), Labcorp and Ambry Genetics); PubMed 25611685 (cited by Ambry Genetics); PubMed 30847666 (cited by Ambry Genetics); PubMed 18505755 (cited by Laboratory for Molecular Medicine, Mass General Brigham Personalized Medicine).

NM_003476.5(CSRP3):c.152C>A (p.Ala51Asp)

Gene: CSRP3 (cysteine and glycine rich protein 3; minus strand). Cytogenetic location: 11p15.1.
Variant type: single nucleotide variant.
Coding change: c.152C>A on transcript NM_003476.5 (MANE Select); coding-DNA position 152, C replaced by A.
Protein change: p.Ala51Asp; replaces alanine 51 with aspartic acid.
Molecular consequence: missense variant. On other transcripts: intron variant (1).
Genome position (GRCh38, 1-based): chr11:19,188,265, G>T on the plus strand (C>A on the coding strand, the complement: CSRP3 is on the minus strand). VCF-style: chr11-19188265-G-T. GRCh37 (hg19) VCF-style: chr11-19209812-G-T.
Other names: c.113-1917C>A (NM_001369404.1); short protein forms A51D.
Identifiers: ClinVar variation 44689 (VCV000044689.16), dbSNP rs397516853, ClinGen allele CA134878.